The following is an entry in ClinVar:

ClinVar aggregate classification (germline): Pathogenic (1 of 4 stars; one submission).

Conditions:
Progressive myoclonic epilepsy type 3. Also called: KCTD7-Related Progressive Myoclonic Epilepsy; EPILEPSY, PROGRESSIVE MYOCLONIC, 3, WITH OR WITHOUT INTRACELLULAR INCLUSIONS; CEROID LIPOFUSCINOSIS, NEURONAL, 14; EPILEPSY, PROGRESSIVE MYOCLONIC, 3, WITHOUT INTRACELLULAR INCLUSIONS. Identifiers: Orphanet 263516, MedGen C2673257, MONDO:0012721, OMIM 611726.

Submission:

Labcorp Genetics (formerly Invitae), Labcorp
Classification: Pathogenic for Progressive myoclonic epilepsy type 3. Last evaluated: 2023-08-04. Review status: criteria provided, single submitter. Criteria: Invitae Variant Classification Sherloc (09022015). Collection method: clinical testing. Allele origin: germline.
Comment: This variant has not been reported in the literature in individuals affected with KCTD7-related conditions. For these reasons, this variant has been classified as Pathogenic. ClinVar contains an entry for this variant (Variation ID: 1405546). This variant is not present in population databases (gnomAD no frequency). This sequence change creates a premature translational stop signal (p.Gln130*) in the KCTD7 gene. It is expected to result in an absent or disrupted protein product. Loss-of-function variants in KCTD7 are known to be pathogenic (PMID: 22693283).

Literature cited by the submitters: PubMed 22693283.

NM_153033.5(KCTD7):c.388C>T (p.Gln130Ter)

Gene: KCTD7 (potassium channel tetramerization domain containing 7; plus strand). Cytogenetic location: 7q11.21.
Variant type: single nucleotide variant.
Coding change: c.388C>T on transcript NM_153033.5 (MANE Select); coding-DNA position 388, C replaced by T.
Protein change: p.Gln130Ter; replaces glutamine 130 with a stop codon.
Molecular consequence: nonsense.
Genome position (GRCh38, 1-based): chr7:66,638,326, C>T. VCF-style: chr7-66638326-C-T. GRCh37 (hg19) VCF-style: chr7-66103313-C-T.
Other names: c.388C>T, p.Gln130Ter (NM_001167961.2); short protein forms Q130*.
Identifiers: ClinVar variation 1405546 (VCV001405546.6), dbSNP rs1207922864, ClinGen allele CA367696268.
Genomic context (GRCh38, chr7:66,638,326, plus strand): 5'-TTCCTGCGCTCAGGGGACCTCCCACCCAGGGAGCGTGTTCGAGCTGTGTACAAAGAGGCC[C>T]AGTACTATGCCATCGGGCCCCTCCTGGAGCAGCTGGAGAACATGCAGCCACTGAAGGGCG-3'